The following is an entry in ClinVar:

ClinVar aggregate classification (germline): Likely pathogenic. Review status: criteria provided, multiple submitters, no conflicts (2 of 4 stars). 2 submissions from 2 submitters: Likely pathogenic (2). Last evaluated 2023-10-20.

Conditions:
IL10RA-related disorder. Also called: IL10RA-related condition.
Inflammatory bowel disease 28. Also called: Inflammatory bowel disease 28, early onset, autosomal recessive. Identifiers: Orphanet 238569, MedGen C2751053, MONDO:0013153, OMIM 613148.

Allele frequency attached by ClinVar (database versions not stated): gnomAD exomes below 0.00001; TOPMed below 0.00001; gnomAD 0.00001.
gnomAD v4.1: 5 of 1,613,980 alleles (0.00031%); highest among the groups gnomAD compares: Non-Finnish European, 0.00042%; no homozygotes.

Submissions (2):

Blueprint Genetics
Classification: Likely pathogenic for IL10RA-related disorders. Last evaluated: 2023-10-20. Review status: criteria provided, single submitter. Criteria: ACMG Guidelines, 2015. Collection method: clinical testing. Allele origin: germline. Affected: yes. Observed: 2 variant alleles.

Labcorp Genetics (formerly Invitae), Labcorp
Classification: Likely pathogenic for Inflammatory bowel disease 28. Last evaluated: 2022-06-27. Review status: criteria provided, single submitter. Criteria: Invitae Variant Classification Sherloc (09022015). Collection method: clinical testing. Allele origin: germline.
Comment: In summary, the currently available evidence indicates that the variant is pathogenic, but additional data are needed to prove that conclusively. Therefore, this variant has been classified as Likely Pathogenic. Algorithms developed to predict the effect of sequence changes on RNA splicing suggest that this variant may disrupt the consensus splice site. This variant has not been reported in the literature in individuals affected with IL10RA-related conditions. This variant is present in population databases (no rsID available, gnomAD 0.0009%). This sequence change affects an acceptor splice site in intron 1 of the IL10RA gene. It is expected to disrupt RNA splicing. Variants that disrupt the donor or acceptor splice site typically lead to a loss of protein function (PMID: 16199547), and loss-of-function variants in IL10RA are known to be pathogenic (PMID: 24216686, 25373860, 26822028).

Literature cited by the submitters: PubMed 16199547 (cited by Labcorp Genetics (formerly Invitae), Labcorp); PubMed 24216686 (cited by Labcorp Genetics (formerly Invitae), Labcorp); PubMed 25373860 (cited by Labcorp Genetics (formerly Invitae), Labcorp); PubMed 26822028 (cited by Labcorp Genetics (formerly Invitae), Labcorp).

NM_001558.4(IL10RA):c.68-1G>A

Gene: IL10RA (interleukin 10 receptor subunit alpha; plus strand). Cytogenetic location: 11q23.3.
Variant type: single nucleotide variant.
Coding change: c.68-1G>A on transcript NM_001558.4 (MANE Select); the canonical splice acceptor site of the intron before coding-DNA position 68, G replaced by A.
Molecular consequence: splice acceptor variant.
Genome position (GRCh38, 1-based): chr11:117,988,381, G>A. VCF-style: chr11-117988381-G-A. GRCh37 (hg19) VCF-style: chr11-117859096-G-A.
Identifiers: ClinVar variation 1471309 (VCV001471309.9), dbSNP rs1414190221, ClinGen allele CA382772484.
Genomic context (GRCh38, chr11:117,988,381, plus strand): 5'-AATTGGGGTCATCAATGCCTGCCCCCCCTCCCAGCTGTGGTACTGACACTCTTCTCCCCA[G>A]GGACAGAGCTGCCCAGCCCTCCGTCTGTGTGGTTTGAAGCAGAATTTTTCCACCACATCC-3'